The following is an entry in ClinVar:

NM_013275.6(ANKRD11):c.2162_2165del (p.Ile721fs)

Gene: ANKRD11 (ankyrin repeat domain 11; minus strand). Cytogenetic location: 16q24.3.
Variant type: Deletion.
Coding change: c.2162_2165del on transcript NM_013275.6 (MANE Select); coding-DNA positions 2162 to 2165, 4 bases deleted (TCAA; older notation c.2162_2165delTCAA).
Protein change: p.Ile721fs; shifts the reading frame from isoleucine 721.
Molecular consequence: frameshift variant.
Genome position (GRCh38, 1-based): chr16:89,284,377-89,284,380, TTGA deleted on the plus strand (TCAA on the coding strand, the reverse complement: ANKRD11 is on the minus strand); deleting any 4 consecutive bases within chr16:89,284,377-89,284,382 gives the same sequence; the c. name uses the placement nearest the transcript's 3' end. VCF-style (leftmost placement, unchanged base first): chr16-89284376-TTTGA-T. GRCh37 (hg19) VCF-style: chr16-89350784-TTTGA-T.
Other names: c.2162_2165del, p.Ile721fs (NM_001256182.2, NM_001256183.2); short protein forms I721fs.
Identifiers: ClinVar variation 3652094 (VCV003652094.2).

ClinVar aggregate classification (germline): Pathogenic (1 of 4 stars; one submission).

Conditions:
KBG syndrome (KBGS). Also called: ANKRD11-Related KBG Syndrome. Identifiers: Orphanet 2332, MedGen C0220687, MONDO:0007846, OMIM 148050.

Submission:

Labcorp Genetics (formerly Invitae), Labcorp
Classification: Pathogenic for KBG syndrome. Last evaluated: 2024-05-04. Review status: criteria provided, single submitter. Criteria: Invitae Variant Classification Sherloc (09022015). Collection method: clinical testing. Allele origin: germline.
Comment: This sequence change creates a premature translational stop signal (p.Ile721Lysfs*27) in the ANKRD11 gene. It is expected to result in an absent or disrupted protein product. Loss-of-function variants in ANKRD11 are known to be pathogenic (PMID: 21782149, 25125236, 25413698, 25652421). This variant is not present in population databases (gnomAD no frequency). This variant has not been reported in the literature in individuals affected with ANKRD11-related conditions. For these reasons, this variant has been classified as Pathogenic.

Literature cited by the submitters: PubMed 21782149; PubMed 25125236; PubMed 25413698; PubMed 25652421.